The following is an entry in ClinVar:

NM_001365276.2(TNXB):c.4009C>T (p.Arg1337Cys)

Gene: TNXB (tenascin XB; minus strand). Cytogenetic location: 6p21.33.
Variant type: single nucleotide variant.
Coding change: c.4009C>T on transcript NM_001365276.2 (MANE Select); coding-DNA position 4009, C replaced by T.
Protein change: p.Arg1337Cys; replaces arginine 1337 with cysteine.
Molecular consequence: missense variant.
Genome position (GRCh38, 1-based): chr6:32,081,401, G>A on the plus strand (C>T on the coding strand, the complement: TNXB is on the minus strand). VCF-style: chr6-32081401-G-A. GRCh37 (hg19) VCF-style: chr6-32049178-G-A.
Other names: c.4009C>T, p.Arg1337Cys (NM_019105.8); short protein forms R1337C.
Identifiers: ClinVar variation 1736985 (VCV001736985.4), dbSNP rs745543647, ClinGen allele CA3735062.
Genomic context (GRCh38, chr6:32,081,401, plus strand): 5'-GAGGGAGGCCTGGCAGCCATGACTCACCAGTCTTGGCCACCACAGACTCGGGCCCCACAC[G>A]CTGCCTGCCACGAAGCCCGTAGAGGTTCATCTTATACTTCCGGTCGGGATCCAGGCCGGG-3'
Protein context (NP_001352205.1, residues 1327-1347): MNLYGLRGRQ[Arg1337Cys]VGPESVVAKT

ClinVar aggregate classification (germline): Uncertain significance. Review status: criteria provided, multiple submitters, no conflicts (2 of 4 stars). 2 submissions from 2 submitters: Uncertain significance (2). Last evaluated 2026-06-28.

Conditions:
Cardiovascular phenotype. Identifiers: MedGen CN230736.

Allele frequency attached by ClinVar (database versions not stated): TOPMed below 0.00001; gnomAD exomes 0.00002; ExAC 0.00009; gnomAD 0.00002.
gnomAD v4.1: 32 of 1,543,268 alleles (0.0021%); highest among the groups gnomAD compares: South Asian, 0.012%; no homozygotes.

Submissions (2):

GeneDx
Classification: Uncertain significance. Last evaluated: 2026-06-28. Review status: criteria provided, single submitter. Criteria: GeneDx Variant Classification Process June 2021. Collection method: clinical testing. Allele origin: germline.
Comment: Has not been previously published as pathogenic or benign to our knowledge; In silico analysis supports that this missense variant has a deleterious effect on protein structure/function

Ambry Genetics
Classification: Uncertain significance for Cardiovascular phenotype. Last evaluated: 2024-01-17. Review status: criteria provided, single submitter. Criteria: Ambry Variant Classification Scheme 2023. Collection method: clinical testing. Allele origin: germline.